The following is an entry in ClinVar:

ClinVar aggregate classification (germline): Uncertain significance (1 of 4 stars; one submission).

gnomAD v4.1: 4 of 1,613,222 alleles (0.00025%); highest among the groups gnomAD compares: Admixed American, 0.0017%; no homozygotes.

Submission:

GeneDx
Classification: Uncertain significance. Last evaluated: 2024-10-30. Review status: criteria provided, single submitter. Criteria: GeneDx Variant Classification Process June 2021. Collection method: clinical testing. Allele origin: germline. Affected: yes.
Comment: Not observed at significant frequency in large population cohorts (gnomAD); In silico analysis indicates that this missense variant does not alter protein structure/function; Has not been previously published as pathogenic or benign to our knowledge

NM_000441.2(SLC26A4):c.998G>A (p.Arg333Lys)

Gene: SLC26A4 (solute carrier family 26 member 4; plus strand). Cytogenetic location: 7q22.3.
Variant type: single nucleotide variant.
Coding change: c.998G>A on transcript NM_000441.2 (MANE Select); coding-DNA position 998, G replaced by A.
Protein change: p.Arg333Lys; replaces arginine 333 with lysine.
Molecular consequence: missense variant.
Genome position (GRCh38, 1-based): chr7:107,683,534, G>A. VCF-style: chr7-107683534-G-A. GRCh37 (hg19) VCF-style: chr7-107323979-G-A.
Other names: short protein forms R333K.
Identifiers: ClinVar variation 3897257 (VCV003897257.1).
Genomic context (GRCh38, chr7:107,683,534, plus strand): 5'-TTTCATATGGAGCCAACCTGGAAAAAAATTACAATGCTGGCATTGTTAAATCCATCCCAA[G>A]GGGGTGAGTGTGGTGTTCCTCTTAGTACTAATACATTAAGTCAGTAAGTCAGTCTTTTTT-3'
Protein context (NP_000432.1, residues 323-343): YNAGIVKSIP[Arg333Lys]GFLPPELPPV